The following is an entry in ClinVar:

ClinVar aggregate classification (germline): Uncertain significance (1 of 4 stars; one submission).

Conditions:
APC2-related disorder. Also called: APC2-related condition; APC2-Related Disorders.

Submission:

PreventionGenetics, part of Exact Sciences
Classification: Uncertain significance for APC2-related condition. Last evaluated: 2023-07-13. Review status: criteria provided, single submitter. Criteria: ACMG Guidelines, 2015. Collection method: clinical testing. Allele origin: germline.
Comment: The APC2 c.5582G>A variant is predicted to result in the amino acid substitution p.Ser1861Asn. To our knowledge, this variant has not been reported in the literature or in a large population database, indicating this variant is rare. At this time, the clinical significance of this variant is uncertain due to the absence of conclusive functional and genetic evidence.

NM_005883.3(APC2):c.5582G>A (p.Ser1861Asn)

Gene: APC2 (APC regulator of Wnt signaling pathway 2; plus strand). Cytogenetic location: 19p13.3.
Variant type: single nucleotide variant.
Coding change: c.5582G>A on transcript NM_005883.3 (MANE Select); coding-DNA position 5582, G replaced by A.
Protein change: p.Ser1861Asn; replaces serine 1861 with asparagine.
Molecular consequence: missense variant.
Genome position (GRCh38, 1-based): chr19:1,468,883, G>A. VCF-style: chr19-1468883-G-A. GRCh37 (hg19) VCF-style: chr19-1468882-G-A.
Other names: c.5579G>A, p.Ser1860Asn (NM_001351273.1); short protein forms S1860N, S1861N.
Identifiers: ClinVar variation 2632532 (VCV002632532.1), dbSNP rs2512541138, ClinGen allele CA403041319.